The following is an entry in ClinVar:

NM_032588.4(TRIM63):c.306C>T (p.Ile102=)

Gene: TRIM63 (tripartite motif containing 63; minus strand). Cytogenetic location: 1p36.11.
Variant type: single nucleotide variant.
Coding change: c.306C>T on transcript NM_032588.4 (MANE Select); coding-DNA position 306, C replaced by T.
Protein change: p.Ile102=; no amino-acid change (isoleucine 102 retained).
Molecular consequence: synonymous variant.
Genome position (GRCh38, 1-based): chr1:26,066,294, G>A on the plus strand (C>T on the coding strand, the complement: TRIM63 is on the minus strand). VCF-style: chr1-26066294-G-A. GRCh37 (hg19) VCF-style: chr1-26392785-G-A.
Identifiers: ClinVar variation 3385306 (VCV003385306.3), dbSNP rs34009998.

ClinVar aggregate classification (germline): Likely benign. Review status: criteria provided, multiple submitters, no conflicts (2 of 4 stars). 3 submissions from 3 submitters: Likely benign (3). Last evaluated 2026-01-26.

Conditions:
TRIM63-related disorder. Also called: TRIM63-related condition.

gnomAD v4.1: 347 of 1,614,086 alleles (0.021%); highest among the groups gnomAD compares: African/African-American, 0.32%; 1 homozygote.

Submissions (3):

PreventionGenetics, part of Exact Sciences
Classification: Likely benign for TRIM63-related condition. Last evaluated: 2026-01-26. Review status: criteria provided, single submitter. Criteria: ACMG Guidelines, 2015. Collection method: clinical testing. Allele origin: germline.
Comment: This variant is classified as likely benign based on ACMG/AMP sequence variant interpretation guidelines (Richards et al. 2015 PMID: 25741868, with internal and published modifications).

Molecular Diagnostic Laboratory for Inherited Cardiovascular Disease, Montreal Heart Institute
Classification: Likely benign. Last evaluated: 2025-04-09. Review status: criteria provided, single submitter. Criteria: ACMG Guidelines, 2015. Collection method: clinical testing. Allele origin: germline. Affected: no.

Women's Health and Genetics/Laboratory Corporation of America, LabCorp
Classification: Likely benign. Last evaluated: 2024-10-15. Review status: criteria provided, single submitter. Criteria: LabCorp Variant Classification Summary - May 2015. Collection method: clinical testing. Allele origin: germline.